The following is an entry in ClinVar:

ClinVar aggregate classification (germline): Pathogenic (1 of 4 stars; one submission).

Conditions:
Intellectual developmental disorder with dysmorphic facies and behavioral abnormalities. Identifiers: MedGen C4748135, MONDO:0060760, OMIM 618089.

Submission:

Victorian Clinical Genetics Services, Murdoch Childrens Research Institute
Classification: Pathogenic for Intellectual developmental disorder with dysmorphic facies and behavioral abnormalities. Last evaluated: 2026-02-04. Review status: criteria provided, single submitter. Criteria: ACMG Guidelines, 2015. Collection method: clinical testing. Allele origin: germline. Affected: yes.
Comment: This variant is classified as Pathogenic. Evidence in support of pathogenic classification: Variant is predicted to cause nonsense-mediated decay (NMD) and loss of protein (premature termination codon is located at least 54 nucleotides upstream of the final exon-exon junction); Variant is absent from gnomAD (v2, v3 and v4); Other NMD-predicted variants comparable to the one identified in this case have very strong previous evidence for pathogenicity (DECIPHER); Additional information: This variant is heterozygous; This gene is associated with autosomal dominant disease; This variant has no previous evidence of pathogenicity; No published evidence of segregation with disease has been identified for this variant; No published functional evidence has been identified for this variant; Loss of function is a known mechanism of disease in this gene and is associated with intellectual developmental disorder with dysmorphic facies and behavioural abnormalities (MIM#618089); Variants in this gene are known to have variable expressivity. This condition displays variable severity in phenotypes (PMID: 30057029).

Literature cited by the submitters: PubMed 30057029.

NM_001190274.2(FBXO11):c.2015dup (p.Ser672fs)

Gene: FBXO11 (F-box protein 11; minus strand). Cytogenetic location: 2p16.3.
Variant type: Duplication.
Coding change: c.2015dup on transcript NM_001190274.2 (MANE Select); coding-DNA position 2015, one base duplicated (G; older notation c.2015dupG).
Protein change: p.Ser672fs; shifts the reading frame from serine 672.
Molecular consequence: frameshift variant.
Genome position (GRCh38, 1-based): chr2:47,813,859, C duplicated on the plus strand (G on the coding strand, the reverse complement: FBXO11 is on the minus strand). VCF-style (leftmost placement, unchanged base first): chr2-47813858-G-GC. GRCh37 (hg19) VCF-style: chr2-48040997-G-GC.
Other names: c.1763dup, p.Ser588fs (NM_001374325.1, NM_025133.4); short protein forms S588fs, S672fs.
Identifiers: ClinVar variation 4818988 (VCV004818988.1).
Genomic context (GRCh38, chr2:47,813,858, plus strand): 5'-ATAAACTAGAATTCCACCATTCTGTCCTCCCCAGATTTTGTTGCGTCTAATTTTGGGGTT[G>GC]CTTCCAGTCCTGTAAACAGAATAGACAATAATACCATTTCAATAGCTTCTACTCCCATAT-3'